The following is an entry in ClinVar:

NM_020949.3(SLC7A14):c.725C>T (p.Ala242Val)

Genes: SLC7A14 (solute carrier family 7 member 14; minus strand), SLC7A14-AS1 (SLC7A14 antisense RNA 1; plus strand). Cytogenetic location: 3q26.2.
Variant type: single nucleotide variant.
Coding change: c.725C>T on transcript NM_020949.3 (MANE Select); coding-DNA position 725, C replaced by T.
Protein change: p.Ala242Val; replaces alanine 242 with valine.
Molecular consequence: missense variant.
Genome position (GRCh38, 1-based): chr3:170,498,701, G>A on the plus strand (C>T on the coding strand, the complement: SLC7A14 is on the minus strand). VCF-style: chr3-170498701-G-A. GRCh37 (hg19) VCF-style: chr3-170216490-G-A.
Other names: short protein forms A242V.
Identifiers: ClinVar variation 842186 (VCV000842186.9), dbSNP rs756436577, ClinGen allele CA2701846.

ClinVar aggregate classification (germline): Uncertain significance. Review status: criteria provided, multiple submitters, no conflicts (2 of 4 stars). 3 submissions from 3 submitters: Uncertain significance (3). Last evaluated 2026-01-26.

Conditions:
Retinal dystrophy. Also called: Inherited retinal dystrophy. Identifiers: Orphanet 71862, MedGen C0854723, MeSH D058499, MONDO:0019118, HP:0000556.

Allele frequency attached by ClinVar (database versions not stated): ExAC 0.00001; gnomAD exomes 0.00001; gnomAD 0.00003 and 0.00004; TOPMed 0.00006.
gnomAD v4.1: 46 of 1,613,998 alleles (0.0029%); highest among the groups gnomAD compares: East Asian, 0.04%; no homozygotes.

Submissions (3):

Labcorp Genetics (formerly Invitae), Labcorp
Classification: Uncertain significance. Last evaluated: 2026-01-26. Review status: criteria provided, single submitter. Criteria: Invitae Variant Classification Sherloc (09022015). Collection method: clinical testing. Allele origin: germline.
Comment: This sequence change replaces alanine, which is neutral and non-polar, with valine, which is neutral and non-polar, at codon 242 of the SLC7A14 protein (p.Ala242Val). This variant is present in population databases (rs756436577, gnomAD 0.02%). This variant has not been reported in the literature in individuals affected with SLC7A14-related conditions. ClinVar contains an entry for this variant (Variation ID: 842186). An algorithm developed to predict the effect of missense changes on protein structure and function (PolyPhen-2) suggests that this variant is likely to be tolerated. In summary, the available evidence is currently insufficient to determine the role of this variant in disease. Therefore, it has been classified as a Variant of Uncertain Significance.

Dept Of Ophthalmology, Nagoya University
Classification: Uncertain significance for Retinal dystrophy. Last evaluated: 2023-10-01. Review status: criteria provided, single submitter. Criteria: Submitter's publication. Collection method: research. Allele origin: germline. Affected: yes.

Blueprint Genetics
Classification: Uncertain significance. Last evaluated: 2021-04-01. Review status: criteria provided, single submitter. Criteria: ACMG Guidelines, 2015. Collection method: clinical testing. Allele origin: germline.